The following is an entry in ClinVar:

NM_172250.3(MMAA):c.*2658G>A

Gene: MMAA (metabolism of cobalamin associated A; plus strand). Cytogenetic location: 4q31.21.
Variant type: single nucleotide variant.
Coding change: c.*2658G>A on transcript NM_172250.3 (MANE Select); 2658 bases downstream of the stop codon, G replaced by A.
Molecular consequence: 3 prime UTR variant.
Genome position (GRCh38, 1-based): chr4:145,658,092, G>A. VCF-style: chr4-145658092-G-A. GRCh37 (hg19) VCF-style: chr4-146579244-G-A.
Identifiers: ClinVar variation 347651 (VCV000347651.6), dbSNP rs72723825, ClinGen allele CA10620119.
Genomic context (GRCh38, chr4:145,658,092, plus strand): 5'-GTGTGTGGCATCTCCCCATCCCTCACTCTATCACTTGCTCCTACTTTCGTCATATGACAT[G>A]CCTGCTCCCCTTTCACCTTCTGCCATGATTGTAAGCTTCCTGAGGCCTCCCTAGAAGCTG-3'

ClinVar aggregate classification (germline): Benign. Review status: criteria provided, multiple submitters, no conflicts (2 of 4 stars). 2 submissions from 2 submitters: Benign (2). Last evaluated 2018-01-13.

Conditions:
Methylmalonic aciduria, cblA type (MACA). Also called: Methylmalonic aciduria, vitamin b12-responsive, due to defect in synthesis of adenosylcobalamin, cbla complementation type; MMA cbl A type; Methylmalonic acidemia cblA type; Methylmalonic aciduria, vitamin B12-responsive; Vitamin B12-responsive methylmalonic acidemia type cblA. Identifiers: Orphanet 28, Orphanet 79310, MedGen C1855109, MONDO:0009613, OMIM 251100.

Allele frequency attached by ClinVar (database versions not stated): gnomAD 0.03953 and 0.04467; TOPMed 0.03960; 1000 Genomes Project 30x 0.06777; 1000 Genomes Project 0.07009; gnomAD exomes 0.07576.
gnomAD v4.1: 6,826 of 153,352 alleles (4.5%); highest among the groups gnomAD compares: South Asian, 15%; 247 homozygotes.

Submissions (2):

Illumina Laboratory Services, Illumina
Classification: Benign for Methylmalonic aciduria, cblA type. Last evaluated: 2018-01-13. Review status: criteria provided, single submitter. Criteria: ICSL Variant Classification Criteria 13 December 2019. Collection method: clinical testing. Allele origin: germline.
Comment: This variant was observed in the ICSL laboratory as part of a predisposition screen in an ostensibly healthy population. It had not been previously curated by ICSL or reported in the Human Gene Mutation Database (HGMD: prior to June 1st, 2018), and was therefore a candidate for classification through an automated scoring system. Utilizing variant allele frequency, disease prevalence and penetrance estimates, and inheritance mode, an automated score was calculated to assess if this variant is too frequent to cause the disease. Based on the score and internal cut-off values, a variant classified as benign is not then subjected to further curation. The score for this variant resulted in a classification of benign for this disease.

Breakthrough Genomics
Classification: Benign. Review status: criteria provided, single submitter. Criteria: ACMG Guidelines, 2015. Collection method: not provided. Allele origin: germline. Inheritance: Autosomal recessive inheritance. Affected: yes.